The following is an entry in ClinVar:

ClinVar aggregate classification (germline): Uncertain significance (1 of 4 stars; one submission).

Conditions:
Chromosome 2q32-q33 deletion syndrome (GLASS). Also called: Glass syndrome; 2q33.1 deletion syndrome. Identifiers: Orphanet 251019, MedGen C2676739, MONDO:0012864, OMIM 612313.

Submission:

Labcorp Genetics (formerly Invitae), Labcorp
Classification: Uncertain significance for Chromosome 2q32-q33 deletion syndrome. Last evaluated: 2023-12-28. Review status: criteria provided, single submitter. Criteria: Invitae Variant Classification Sherloc (09022015). Collection method: clinical testing. Allele origin: germline.
Comment: This sequence change replaces histidine, which is basic and polar, with arginine, which is basic and polar, at codon 672 of the SATB2 protein (p.His672Arg). This variant is not present in population databases (gnomAD no frequency). This variant has not been reported in the literature in individuals affected with SATB2-related conditions. Advanced modeling of protein sequence and biophysical properties (such as structural, functional, and spatial information, amino acid conservation, physicochemical variation, residue mobility, and thermodynamic stability) performed at Invitae indicates that this missense variant is not expected to disrupt SATB2 protein function with a negative predictive value of 80%. In summary, the available evidence is currently insufficient to determine the role of this variant in disease. Therefore, it has been classified as a Variant of Uncertain Significance.

NM_001172509.2(SATB2):c.2015A>G (p.His672Arg)

Genes: SATB2 (SATB homeobox 2; minus strand), LOC126806462 (MED14-independent group 3 enhancer GRCh37_chr2:200136608-200137807; plus strand). Cytogenetic location: 2q33.1.
Variant type: single nucleotide variant.
Coding change: c.2015A>G on transcript NM_001172509.2 (MANE Select); coding-DNA position 2015, A replaced by G.
Protein change: p.His672Arg; replaces histidine 672 with arginine.
Molecular consequence: missense variant.
Genome position (GRCh38, 1-based): chr2:199,272,398, T>C on the plus strand (A>G on the coding strand, the complement: SATB2 is on the minus strand). VCF-style: chr2-199272398-T-C. GRCh37 (hg19) VCF-style: chr2-200137121-T-C.
Other names: c.2015A>G, p.His672Arg (NM_001172517.1, NM_015265.4); short protein forms H672R.
Identifiers: ClinVar variation 2706022 (VCV002706022.3), dbSNP rs2105706935, ClinGen allele CA350385488.